The following is an entry in ClinVar:

NM_002497.4(NEK2):c.413T>C (p.Leu138Ser)

Gene: NEK2 (NIMA related kinase 2; minus strand). Cytogenetic location: 1q32.3.
Variant type: single nucleotide variant.
Coding change: c.413T>C on transcript NM_002497.4 (MANE Select); coding-DNA position 413, T replaced by C.
Protein change: p.Leu138Ser; replaces leucine 138 with serine.
Molecular consequence: missense variant.
Genome position (GRCh38, 1-based): chr1:211,673,625, A>G on the plus strand (T>C on the coding strand, the complement: NEK2 is on the minus strand). VCF-style: chr1-211673625-A-G. GRCh37 (hg19) VCF-style: chr1-211846967-A-G.
Other names: c.413T>C, p.Leu138Ser (NM_001204182.2, NM_001204183.2); short protein forms L138S.
Identifiers: ClinVar variation 2855158 (VCV002855158.3), dbSNP rs2464401719, ClinGen allele CA344784028.

ClinVar aggregate classification (germline): Uncertain significance (1 of 4 stars; one submission).

Submission:

Labcorp Genetics (formerly Invitae), Labcorp
Classification: Uncertain significance. Last evaluated: 2024-09-23. Review status: criteria provided, single submitter. Criteria: Invitae Variant Classification Sherloc (09022015). Collection method: clinical testing. Allele origin: germline.
Comment: This sequence change replaces leucine, which is neutral and non-polar, with serine, which is neutral and polar, at codon 138 of the NEK2 protein (p.Leu138Ser). This variant is not present in population databases (gnomAD no frequency). This variant has not been reported in the literature in individuals affected with NEK2-related conditions. An algorithm developed to predict the effect of missense changes on protein structure and function (PolyPhen-2) suggests that this variant is likely to be disruptive. In summary, the available evidence is currently insufficient to determine the role of this variant in disease. Therefore, it has been classified as a Variant of Uncertain Significance.